The following is an entry in ClinVar:

NM_015375.3(DSTYK):c.352G>A (p.Gly118Ser)

Gene: DSTYK (dual serine/threonine and tyrosine protein kinase; minus strand). Cytogenetic location: 1q32.1.
Variant type: single nucleotide variant.
Coding change: c.352G>A on transcript NM_015375.3 (MANE Select); coding-DNA position 352, G replaced by A.
Protein change: p.Gly118Ser; replaces glycine 118 with serine.
Molecular consequence: missense variant.
Genome position (GRCh38, 1-based): chr1:205,187,720, C>T on the plus strand (G>A on the coding strand, the complement: DSTYK is on the minus strand). VCF-style: chr1-205187720-C-T. GRCh37 (hg19) VCF-style: chr1-205156848-C-T.
Other names: c.352G>A, p.Gly118Ser (NM_199462.3); short protein forms G118S.
Identifiers: ClinVar variation 3086044 (VCV003086044.2), dbSNP rs976476529, ClinGen allele CA36441878.

ClinVar aggregate classification (germline): Uncertain significance. Review status: criteria provided, multiple submitters, no conflicts (2 of 4 stars). 2 submissions from 2 submitters: Uncertain significance (2). Last evaluated 2024-01-31.

Allele frequency attached by ClinVar (database versions not stated): gnomAD exomes below 0.00001.
gnomAD v4.1: 1 of 1,614,158 alleles (0.000062%); highest among the groups gnomAD compares: Non-Finnish European, 0.000085%; no homozygotes.

Submissions (2):

Ambry Genetics
Classification: Uncertain significance. Last evaluated: 2024-01-31. Review status: criteria provided, single submitter. Criteria: Ambry Variant Classification Scheme 2023. Collection method: clinical testing. Allele origin: germline.

GeneDx
Classification: Uncertain significance. Last evaluated: 2023-10-30. Review status: criteria provided, single submitter. Criteria: GeneDx Variant Classification Process June 2021. Collection method: clinical testing. Allele origin: germline. Affected: yes.
Comment: Not observed at significant frequency in large population cohorts (gnomAD); In silico analysis supports that this missense variant has a deleterious effect on protein structure/function; Has not been previously published as pathogenic or benign to our knowledge